The following is an entry in ClinVar:

ClinVar aggregate classification (germline): Uncertain significance (1 of 4 stars; one submission).

Conditions:
Cardiomyopathy (CMYO). Also called: Cardiomyopathies. Identifiers: Orphanet 167848, MedGen C0878544, MONDO:0004994, HP:0001638. Inheritance: Various modes of inheritance.

Allele frequency attached by ClinVar (database versions not stated): gnomAD exomes below 0.00001.
gnomAD v4.1: 1 of 1,613,382 alleles (0.000062%); highest among the groups gnomAD compares: Non-Finnish European, 0.000085%; no homozygotes.

Submission:

Color Diagnostics, LLC DBA Color Health
Classification: Uncertain significance for Cardiomyopathy. Last evaluated: 2023-05-16. Review status: criteria provided, single submitter. Criteria: ACMG Guidelines, 2015. Collection method: clinical testing. Allele origin: germline.
Comment: This missense variant replaces isoleucine with threonine at codon 1521 of the RYR2 protein. Computational prediction suggests that this variant may not impact protein structure and function (internally defined REVEL score threshold <= 0.5, PMID: 27666373). To our knowledge, functional studies have not been reported for this variant. This variant has not been reported in individuals affected with RYR2-related disorders in the literature. This variant has not been identified in the general population by the Genome Aggregation Database (gnomAD). The available evidence is insufficient to determine the role of this variant in disease conclusively. Therefore, this variant is classified as a Variant of Uncertain Significance.

NM_001035.3(RYR2):c.4562T>C (p.Ile1521Thr)

Gene: RYR2 (ryanodine receptor 2; plus strand). Cytogenetic location: 1q43.
Variant type: single nucleotide variant.
Coding change: c.4562T>C on transcript NM_001035.3 (MANE Select); coding-DNA position 4562, T replaced by C.
Protein change: p.Ile1521Thr; replaces isoleucine 1521 with threonine.
Molecular consequence: missense variant.
Genome position (GRCh38, 1-based): chr1:237,595,623, T>C. VCF-style: chr1-237595623-T-C. GRCh37 (hg19) VCF-style: chr1-237758923-T-C.
Other names: short protein forms I1521T.
Identifiers: ClinVar variation 2774297 (VCV002774297.2), dbSNP rs2546655640, ClinGen allele CA345400636.